The following is an entry in ClinVar:

ClinVar aggregate classification (germline): Uncertain significance (1 of 4 stars; one submission).

Submission:

Ambry Genetics
Classification: Uncertain significance. Last evaluated: 2023-07-04. Review status: criteria provided, single submitter. Criteria: Ambry Variant Classification Scheme 2023. Collection method: clinical testing. Allele origin: germline.
Comment: The p.T1002N variant (also known as c.3005C>A), located in coding exon 4 of the ALPK2 gene, results from a C to A substitution at nucleotide position 3005. The threonine at codon 1002 is replaced by asparagine, an amino acid with similar properties. This amino acid position is conserved. In addition, this alteration is predicted to be tolerated by in silico analysis. Since supporting evidence is limited at this time, the clinical significance of this alteration remains unclear.

NM_052947.4(ALPK2):c.3005C>A (p.Thr1002Asn)

Gene: ALPK2 (alpha kinase 2; minus strand). Cytogenetic location: 18q21.31.
Variant type: single nucleotide variant.
Coding change: c.3005C>A on transcript NM_052947.4 (MANE Select); coding-DNA position 3005, C replaced by A.
Protein change: p.Thr1002Asn; replaces threonine 1002 with asparagine.
Molecular consequence: missense variant.
Genome position (GRCh38, 1-based): chr18:58,537,182, G>T on the plus strand (C>A on the coding strand, the complement: ALPK2 is on the minus strand). VCF-style: chr18-58537182-G-T. GRCh37 (hg19) VCF-style: chr18-56204414-G-T.
Other names: short protein forms T1002N.
Identifiers: ClinVar variation 2625986 (VCV002625986.2), dbSNP rs2518877010, ClinGen allele CA402569302.